The following is an entry in ClinVar:

ClinVar aggregate classification (germline): Uncertain significance (1 of 4 stars; one submission).

Conditions:
Muscular dystrophy-dystroglycanopathy (congenital with brain and eye anomalies), type a, 8 (MDDGA8). Also called: WALKER-WARBURG SYNDROME OR MUSCLE-EYE-BRAIN DISEASE, GTDC2-RELATED. Identifiers: Orphanet 899, MedGen C3553813, MONDO:0013904, OMIM 614830.

Submission:

Labcorp Genetics (formerly Invitae), Labcorp
Classification: Uncertain significance for Muscular dystrophy-dystroglycanopathy (congenital with brain and eye anomalies), type a, 8. Last evaluated: 2022-06-20. Review status: criteria provided, single submitter. Criteria: Invitae Variant Classification Sherloc (09022015). Collection method: clinical testing. Allele origin: germline.
Comment: In summary, the available evidence is currently insufficient to determine the role of this variant in disease. Therefore, it has been classified as a Variant of Uncertain Significance. Algorithms developed to predict the effect of missense changes on protein structure and function are either unavailable or do not agree on the potential impact of this missense change (SIFT: "Deleterious"; PolyPhen-2: "Benign"; Align-GVGD: "Class C15"). This variant has not been reported in the literature in individuals affected with POMGNT2-related conditions. This variant is not present in population databases (gnomAD no frequency). This sequence change replaces asparagine, which is neutral and polar, with aspartic acid, which is acidic and polar, at codon 262 of the POMGNT2 protein (p.Asn262Asp).

NM_032806.6(POMGNT2):c.784A>G (p.Asn262Asp)

Gene: POMGNT2 (protein O-linked mannose N-acetylglucosaminyltransferase 2 (beta 1,4-); minus strand). Cytogenetic location: 3p22.1.
Variant type: single nucleotide variant.
Coding change: c.784A>G on transcript NM_032806.6 (MANE Select); coding-DNA position 784, A replaced by G.
Protein change: p.Asn262Asp; replaces asparagine 262 with aspartic acid.
Molecular consequence: missense variant.
Genome position (GRCh38, 1-based): chr3:43,080,648, T>C on the plus strand (A>G on the coding strand, the complement: POMGNT2 is on the minus strand). VCF-style: chr3-43080648-T-C. GRCh37 (hg19) VCF-style: chr3-43122140-T-C.
Other names: short protein forms N262D.
Identifiers: ClinVar variation 2170192 (VCV002170192.4), dbSNP rs2528897781, ClinGen allele CA352302516.
Genomic context (GRCh38, chr3:43,080,648, plus strand): 5'-CTCCTGTGTGGCTCACGTTCAGCTTTTCTGTCATGAACCGTGCAAACTGCCGGATCTCAT[T>C]GCCTGAGACGAGGATGTTGGCCTTCGGGCCCTGGGGCTGCACAAAGCCATACTGGTACCA-3'
Protein context (NP_116195.2, residues 252-272): GPKANILVSG[Asn262Asp]EIRQFARFMT